The following is an entry in ClinVar:

ClinVar aggregate classification (germline): Pathogenic. Review status: criteria provided, multiple submitters, no conflicts (2 of 4 stars). 2 submissions from 2 submitters: Pathogenic (2). Last evaluated 2026-02-12.

Conditions:
Familial ovarian cancer. Identifiers: MedGen C5679802, MONDO:0016248.
Hereditary cancer-predisposing syndrome. Also called: Neoplastic Syndromes, Hereditary; Hereditary Cancer Syndrome; Hereditary neoplastic syndrome; Tumor predisposition. Identifiers: Orphanet 140162, MedGen C0027672, MeSH D009386, MONDO:0015356.

Submissions (2):

Myriad Genetics, Inc.
Classification: Pathogenic for Familial ovarian cancer. Last evaluated: 2026-02-12. Review status: criteria provided, single submitter. Criteria: Myriad Autosomal Dominant, Autosomal Recessive and X-Linked Classification Criteria (2023). Collection method: clinical testing. Allele origin: unknown.
Comment: This variant is considered pathogenic. This variant creates a frameshift predicted to result in premature protein truncation.

Ambry Genetics
Classification: Pathogenic for Hereditary cancer-predisposing syndrome. Last evaluated: 2015-04-30. Review status: criteria provided, single submitter. Criteria: Ambry Variant Classification Scheme 2023. Collection method: clinical testing. Allele origin: germline.
Comment: The c.2833delG pathogenic mutation, located in coding exon 18 of the BRIP1 gene, results from a deletion of one nucleotide at position 2833, causing a translational frameshift with a predicted alternate stop codon. Since frameshifts are typically deleterious in nature, this alteration is interpreted as a disease-causing mutation (ACMG Recommendations for Standards for Interpretation and Reporting of Sequence Variations. Revision 2007. Genet Med. 2008;10:294).

NM_032043.3(BRIP1):c.2833del (p.Glu945fs)

Gene: BRIP1 (BRCA1 interacting DNA helicase 1; minus strand). Cytogenetic location: 17q23.2.
Variant type: Deletion.
Coding change: c.2833del on transcript NM_032043.3 (MANE Select); coding-DNA position 2833, one base deleted (G; older notation c.2833delG).
Protein change: p.Glu945fs; shifts the reading frame from glutamic acid 945.
Molecular consequence: frameshift variant.
Genome position (GRCh38, 1-based): chr17:61,685,908, C deleted on the plus strand (G on the coding strand, the reverse complement: BRIP1 is on the minus strand); the first of 2 consecutive C bases (chr17:61,685,908-61,685,909); deleting either gives the same sequence. VCF-style (leftmost placement, unchanged base first): chr17-61685907-TC-T. GRCh37 (hg19) VCF-style: chr17-59763268-TC-T.
Other names: c.2833delG (NM_032043.2); short protein forms E945fs.
Identifiers: ClinVar variation 231536 (VCV000231536.6), dbSNP rs876659212, ClinGen allele CA10580787.